The following is an entry in ClinVar:

ClinVar aggregate classification (germline): Uncertain significance. Review status: criteria provided, multiple submitters, no conflicts (2 of 4 stars). 2 submissions from 2 submitters: Uncertain significance (2). Last evaluated 2026-07-31.

Conditions:
AFF4-related disorder. Also called: AFF4-related condition.
Cognitive impairment - coarse facies - heart defects - obesity - pulmonary involvement - short stature - skeletal dysplasia syndrome. Also called: COGNITIVE IMPAIRMENT, COARSE FACIES, HEART DEFECTS, OBESITY, PULMONARY INVOLVEMENT, SHORT STATURE, AND SKELETAL DYSPLASIA; Chops syndrome; AFF4-Related CHOPS Syndrome. Identifiers: Orphanet 444077, MedGen C4085597, MONDO:0014609, OMIM 616368.

Submissions (2):

PreventionGenetics, part of Exact Sciences
Classification: Uncertain significance for AFF4-related condition. Last evaluated: 2026-07-31. Review status: criteria provided, single submitter. Criteria: ACMG Guidelines, 2015. Collection method: clinical testing. Allele origin: germline.
Comment: The AFF4 c.964-5T>A variant is predicted to interfere with splicing. This variant is predicted to alter splicing based on available splicing prediction programs (SpliceAI, Jaganathan et al. 2019. PubMed ID: 30661751). However, the use of computer prediction programs is not equivalent to functional evidence. To our knowledge, this variant has not been reported in the literature or in a large population database (gnomAD), indicating this variant is rare. At this time, the clinical significance of this variant is uncertain due to the absence of conclusive functional and genetic evidence.

Labcorp Genetics (formerly Invitae), Labcorp
Classification: Uncertain significance for Cognitive impairment - coarse facies - heart defects - obesity - pulmonary involvement - short stature - skeletal dysplasia syndrome. Last evaluated: 2024-06-12. Review status: criteria provided, single submitter. Criteria: Invitae Variant Classification Sherloc (09022015). Collection method: clinical testing. Allele origin: germline.
Comment: This sequence change falls in intron 4 of the AFF4 gene. It does not directly change the encoded amino acid sequence of the AFF4 protein. This variant is not present in population databases (gnomAD no frequency). This variant has not been reported in the literature in individuals affected with AFF4-related conditions. Algorithms developed to predict the effect of sequence changes on RNA splicing suggest that this variant may disrupt the consensus splice site. In summary, the available evidence is currently insufficient to determine the role of this variant in disease. Therefore, it has been classified as a Variant of Uncertain Significance.

NM_014423.4(AFF4):c.964-5T>A

Gene: AFF4 (ALF transcription elongation factor 4; minus strand). Cytogenetic location: 5q31.1.
Variant type: single nucleotide variant.
Coding change: c.964-5T>A on transcript NM_014423.4 (MANE Select); 5 bases into the intron before coding-DNA position 964, T replaced by A.
Molecular consequence: intron variant.
Genome position (GRCh38, 1-based): chr5:132,927,212, A>T on the plus strand (T>A on the coding strand, the complement: AFF4 is on the minus strand). VCF-style: chr5-132927212-A-T. GRCh37 (hg19) VCF-style: chr5-132262904-A-T.
Other names: c.964-5T>A (NM_014423.3).
Identifiers: ClinVar variation 3684196 (VCV003684196.3).
Genomic context (GRCh38, chr5:132,927,212, plus strand): 5'-GTTTTGCATGGTGTATGAATAGCCGTTAGAGGGGGAGGCCATGAATGCGTCATCTCCTGA[A>T]ATGTAATTATTACAGTTTGTTTTCAACCAGGTCAAGGATAAAAATTATACAGCTAAAAAC-3'